The following is an entry in ClinVar:

NM_138694.4(PKHD1):c.10545T>C (p.Ile3515=)

Gene: PKHD1 (PKHD1 ciliary IPT domain containing fibrocystin/polyductin; minus strand). Cytogenetic location: 6p12.3.
Variant type: single nucleotide variant.
Coding change: c.10545T>C on transcript NM_138694.4 (MANE Select); coding-DNA position 10545, T replaced by C.
Protein change: p.Ile3515=; no amino-acid change (isoleucine 3515 retained).
Molecular consequence: synonymous variant.
Genome position (GRCh38, 1-based): chr6:51,659,581, A>G on the plus strand (T>C on the coding strand, the complement: PKHD1 is on the minus strand). VCF-style: chr6-51659581-A-G. GRCh37 (hg19) VCF-style: chr6-51524379-A-G.
Other names: c.10545T>C (NM_138694.3).
Identifiers: ClinVar variation 1137101 (VCV001137101.11), dbSNP rs562160590, ClinGen allele CA3851054.

ClinVar aggregate classification (germline): Likely benign. Review status: criteria provided, multiple submitters, no conflicts (2 of 4 stars). 3 submissions from 3 submitters: Likely benign (3). Last evaluated 2026-07-25.

Conditions:
PKHD1-related disorder. Also called: PKHD1-related condition.
Polycystic kidney disease 4 (PKD4). Also called: Autosomal Recessive Polycystic Kidney Disease – PKHD1; PKD3; POLYCYSTIC KIDNEY AND HEPATIC DISEASE 1; POLYCYSTIC KIDNEY DISEASE, INFANTILE, TYPE I; POLYCYSTIC KIDNEY DISEASE 4 WITH OR WITHOUT POLYCYSTIC LIVER DISEASE. Identifiers: MedGen C4540575, MONDO:0033004, OMIM 263200.
Autosomal recessive polycystic kidney disease (ARPKD). Also called: AR polycystic kidney disease. Identifiers: Orphanet 731, Orphanet 8378, MedGen C0085548, MeSH D017044, MONDO:0009889.

Allele frequency attached by ClinVar (database versions not stated): ExAC 0.00001; gnomAD 0.00001 and 0.00002; gnomAD exomes 0.00001 and 0.00002; TOPMed 0.00003.
gnomAD v4.1: 9 of 1,613,762 alleles (0.00056%); highest among the groups gnomAD compares: Admixed American, 0.012%; no homozygotes.

Submissions (3):

PreventionGenetics, part of Exact Sciences
Classification: Likely benign for PKHD1-related condition. Last evaluated: 2026-07-25. Review status: criteria provided, single submitter. Criteria: ACMG Guidelines, 2015. Collection method: clinical testing. Allele origin: germline.
Comment: This variant is classified as likely benign based on ACMG/AMP sequence variant interpretation guidelines (Richards et al. 2015 PMID: 25741868, with internal and published modifications).

Labcorp Genetics (formerly Invitae), Labcorp
Classification: Likely benign for Autosomal recessive polycystic kidney disease. Last evaluated: 2023-11-03. Review status: criteria provided, single submitter. Criteria: Invitae Variant Classification Sherloc (09022015). Collection method: clinical testing. Allele origin: germline.

Fulgent Genetics
Classification: Likely benign for Polycystic kidney disease 4. Last evaluated: 2022-04-18. Review status: criteria provided, single submitter. Criteria: ACMG Guidelines, 2015. Collection method: clinical testing. Allele origin: unknown.